The following is an entry in ClinVar:

ClinVar aggregate classification (germline): Benign/Likely benign. Review status: criteria provided, multiple submitters, no conflicts (2 of 4 stars). 2 submissions from 2 submitters: Benign (1); Likely benign (1). Last evaluated 2025-08-09.

Conditions:
Fanconi anemia complementation group J. Also called: BRIP1-Related Fanconi Anemia. Identifiers: Orphanet 84, MedGen C1836860, MONDO:0012187, OMIM 609054.
Familial cancer of breast. Also called: hereditary breast carcinoma; BREAST CANCER, FAMILIAL; Hereditary breast cancer. Identifiers: Orphanet 227535, MedGen C0346153, MONDO:0016419, OMIM 114480. Disease mechanism: loss of function.

Submissions (2):

Labcorp Genetics (formerly Invitae), Labcorp
Classification: Likely benign for Familial cancer of breast; Fanconi anemia complementation group J. Last evaluated: 2025-08-09. Review status: criteria provided, single submitter. Criteria: Invitae Variant Classification Sherloc (09022015). Collection method: clinical testing. Allele origin: germline.

Myriad Genetics, Inc.
Classification: Benign for Familial cancer of breast. Last evaluated: 2024-08-30. Review status: criteria provided, single submitter. Criteria: Myriad Autosomal Dominant, Autosomal Recessive and X-Linked Classification Criteria (2023). Collection method: clinical testing. Allele origin: unknown.
Comment: This variant is considered benign. This variant is a silent/synonymous amino acid change and it is not expected to impact splicing.

NM_032043.3(BRIP1):c.1872G>C (p.Ser624=)

Gene: BRIP1 (BRCA1 interacting DNA helicase 1; minus strand). Cytogenetic location: 17q23.2.
Variant type: single nucleotide variant.
Coding change: c.1872G>C on transcript NM_032043.3 (MANE Select); coding-DNA position 1872, G replaced by C.
Protein change: p.Ser624=; no amino-acid change (serine 624 retained).
Molecular consequence: synonymous variant.
Genome position (GRCh38, 1-based): chr17:61,780,324, C>G on the plus strand (G>C on the coding strand, the complement: BRIP1 is on the minus strand). VCF-style: chr17-61780324-C-G. GRCh37 (hg19) VCF-style: chr17-59857685-C-G.
Identifiers: ClinVar variation 3378982 (VCV003378982.2).